The following is an entry in ClinVar:

ClinVar aggregate classification (germline): Uncertain significance (1 of 4 stars; one submission).

Submission:

CeGaT Center for Human Genetics Tuebingen
Classification: Uncertain significance. Last evaluated: 2024-07-01. Review status: criteria provided, single submitter. Criteria: CeGaT Center For Human Genetics Tuebingen Variant Classification Criteria Version 2. Collection method: clinical testing. Allele origin: germline. Affected: yes. Observed: 1 variant allele.
Comment: BRWD3: PM2

NM_153252.5(BRWD3):c.2415T>A (p.His805Gln)

Gene: BRWD3 (bromodomain and WD repeat domain containing 3; minus strand). Cytogenetic location: Xq21.1.
Variant type: single nucleotide variant.
Coding change: c.2415T>A on transcript NM_153252.5 (MANE Select); coding-DNA position 2415, T replaced by A.
Protein change: p.His805Gln; replaces histidine 805 with glutamine.
Molecular consequence: missense variant.
Genome position (GRCh38, 1-based): chrX:80,709,488, A>T on the plus strand (T>A on the coding strand, the complement: BRWD3 is on the minus strand). VCF-style: chrX-80709488-A-T. GRCh37 (hg19) VCF-style: chrX-79964987-A-T.
Other names: short protein forms H805Q.
Identifiers: ClinVar variation 3257327 (VCV003257327.17).
Genomic context (GRCh38, chrX:80,709,488, plus strand): 5'-CTCTGAAGAACTGTCTGAGTCTTCCTGTACACCTGAATTTTGACATGATGCCTGTGAATT[A>T]TGCTCTATGTTGGACCGTGTTTGGTAAGTATGCTGACGTTTGCGCTGTGTCCTGCGTAAA-3'
Protein context (NP_694984.5, residues 795-815): HTYQTRSNIE[His805Gln]NSQASCQNSG